The following is an entry in ClinVar:

NM_001371596.2(MFSD8):c.64G>T (p.Glu22Ter)

Gene: MFSD8 (major facilitator superfamily domain containing 8; minus strand). Cytogenetic location: 4q28.2.
Variant type: single nucleotide variant.
Coding change: c.64G>T on transcript NM_001371596.2 (MANE Select); coding-DNA position 64, G replaced by T.
Protein change: p.Glu22Ter; replaces glutamic acid 22 with a stop codon.
Molecular consequence: nonsense. On other transcripts: 5 prime UTR variant (2), splice acceptor variant (1).
Genome position (GRCh38, 1-based): chr4:127,957,591, C>A on the plus strand (G>T on the coding strand, the complement: MFSD8 is on the minus strand). VCF-style: chr4-127957591-C-A. GRCh37 (hg19) VCF-style: chr4-128878746-C-A.
Other names: c.64G>T, p.Glu22Ter (NM_001363520.3, NM_001363521.3, NM_001371591.2 and 5 more transcripts); c.-72G>T (NM_001371590.2, NM_001410765.1); c.-71-1G>T (NM_001371595.1); short protein forms E22*.
Identifiers: ClinVar variation 574492 (VCV000574492.9), dbSNP rs1560776422, ClinGen allele CA358165332.

ClinVar aggregate classification (germline): Pathogenic/Likely pathogenic. Review status: criteria provided, multiple submitters, no conflicts (2 of 4 stars). 2 submissions from 2 submitters: Pathogenic (1); Likely pathogenic (1). Last evaluated 2024-11-15.

Conditions:
Late-infantile neuronal ceroid lipofuscinosis. Also called: Jansky-Bielschowsky disease. Identifiers: MedGen C0022340, MONDO:0015674.
Neuronal ceroid lipofuscinosis 7 (CLN7). Also called: MFSD8-Related Neuronal Ceroid-Lipofuscinosis. Identifiers: Orphanet 168491, Orphanet 228366, MedGen C1838571, MONDO:0012588, OMIM 610951.

Submissions (2):

Natera, Inc.
Classification: Likely pathogenic for Late-infantile neuronal ceroid lipofuscinosis. Last evaluated: 2024-11-15. Review status: criteria provided, single submitter. Criteria: Natera Variant Classification Schema (03/2026). Collection method: clinical testing. Allele origin: germline.
Comment: The c.64G>T variant in MFSD8 is a nonsense variant predicted to introduce a stop codon at amino acid 22. This variant is expected to result in nonsense mediated decay, truncation, or a dysfunctional protein product. This variant is rare in the general population with a frequency below the threshold expected for the associated phenotype(s). Given the available evidence, this variant is classified as Likely Pathogenic.

Labcorp Genetics (formerly Invitae), Labcorp
Classification: Pathogenic for Neuronal ceroid lipofuscinosis 7. Last evaluated: 2018-05-23. Review status: criteria provided, single submitter. Criteria: Invitae Variant Classification Sherloc (09022015). Collection method: clinical testing. Allele origin: germline.
Comment: This sequence change creates a premature translational stop signal (p.Glu22*) in the MFSD8 gene. It is expected to result in an absent or disrupted protein product. For these reasons, this variant has been classified as Pathogenic. Loss-of-function variants in MFSD8 are known to be pathogenic (PMID: 19177532). This variant has not been reported in the literature in individuals with MFSD8-related disease. This variant is not present in population databases (ExAC no frequency).

Literature cited by the submitters: PubMed 19177532 (cited by Labcorp Genetics (formerly Invitae), Labcorp).